The following is an entry in ClinVar:

NM_000642.3(AGL):c.1243A>T (p.Lys415Ter)

Gene: AGL (amylo-alpha-1,6-glucosidase and 4-alpha-glucanotransferase; plus strand). Cytogenetic location: 1p21.2.
Variant type: single nucleotide variant.
Coding change: c.1243A>T on transcript NM_000642.3 (MANE Select); coding-DNA position 1243, A replaced by T.
Protein change: p.Lys415Ter; replaces lysine 415 with a stop codon.
Molecular consequence: nonsense.
Genome position (GRCh38, 1-based): chr1:99,875,415, A>T. VCF-style: chr1-99875415-A-T. GRCh37 (hg19) VCF-style: chr1-100340971-A-T.
Other names: c.1039A>T, p.Lys347Ter (NM_001425328.1, NM_001425329.1); c.865A>T, p.Lys289Ter (NM_001425332.1); c.1243A>T, p.Lys415Ter (NM_000643.3, NM_000644.3, NM_001425325.1 and 2 more transcripts); c.1195A>T, p.Lys399Ter (NM_000646.3); c.1243A>T (NM_000642.2); short protein forms K415*, K399*, K289*, K347*.
Identifiers: ClinVar variation 1452641 (VCV001452641.8), dbSNP rs2101128697, ClinGen allele CA341345529.

ClinVar aggregate classification (germline): Pathogenic/Likely pathogenic. Review status: criteria provided, multiple submitters, no conflicts (2 of 4 stars). 2 submissions from 2 submitters: Pathogenic (1); Likely pathogenic (1). Last evaluated 2024-03-18.

Conditions:
Glycogen storage disease type III (GSD3). Also called: FORBES DISEASE; Cori disease. Identifiers: Orphanet 366, MedGen C0017922, MONDO:0009291, OMIM 232400.

Allele frequency attached by ClinVar (database versions not stated): gnomAD exomes below 0.00001.

Submissions (2):

Baylor Genetics
Classification: Likely pathogenic for Glycogen storage disease type III. Last evaluated: 2024-03-18. Review status: criteria provided, single submitter. Criteria: ACMG Guidelines, 2015. Collection method: clinical testing. Allele origin: unknown.

Labcorp Genetics (formerly Invitae), Labcorp
Classification: Pathogenic for Glycogen storage disease type III. Last evaluated: 2021-08-07. Review status: criteria provided, single submitter. Criteria: Invitae Variant Classification Sherloc (09022015). Collection method: clinical testing. Allele origin: germline.
Comment: This variant is not present in population databases (ExAC no frequency). This sequence change creates a premature translational stop signal (p.Lys415*) in the AGL gene. It is expected to result in an absent or disrupted protein product. Loss-of-function variants in AGL are known to be pathogenic (PMID: 19299494). This variant has not been reported in the literature in individuals affected with AGL-related conditions. For these reasons, this variant has been classified as Pathogenic.

Literature cited by the submitters: PubMed 19299494 (cited by Labcorp Genetics (formerly Invitae), Labcorp).